The following is an entry in ClinVar:

ClinVar aggregate classification (germline): Uncertain significance (1 of 4 stars; one submission).

Submission:

GeneDx
Classification: Uncertain significance. Last evaluated: 2024-04-08. Review status: criteria provided, single submitter. Criteria: GeneDx Variant Classification Process June 2021. Collection method: clinical testing. Allele origin: germline. Affected: yes.
Comment: Not observed at significant frequency in large population cohorts (gnomAD); In silico analysis indicates that this variant does not alter protein structure/function; Has not been previously published as pathogenic or benign to our knowledge

NM_033056.4(PCDH15):c.4455TTC[1] (p.Ser1487del)

Gene: PCDH15 (protocadherin related 15; minus strand). Cytogenetic location: 10q21.1.
Variant type: Microsatellite.
Coding change: c.4455TTC[1] on transcript NM_033056.4 (MANE Plus Clinical); one copy of the 3-base unit TTC starting at c.4455; the reference has two copies in a row; one copy, 3 bases deleted.
Protein change: p.Ser1487del; deletes serine 1487.
Molecular consequence: inframe deletion. On other transcripts: intron variant (8).
Genome position (GRCh38, 1-based): chr10:53,823,266-53,823,268, GAA deleted on the plus strand (TTC on the coding strand, the reverse complement: PCDH15 is on the minus strand); deleting any 3 consecutive bases within chr10:53,823,266-53,823,271 gives the same sequence; the position shown is the placement nearest the transcript's 3' end. VCF-style (leftmost placement, unchanged base first): chr10-53823265-GGAA-G. GRCh37 (hg19) VCF-style: chr10-55583025-GGAA-G.
Other names: c.4373+1868_4373+1870del (NM_001142772.2, NM_001142770.3); c.4388+1868_4388+1870del (NM_001142771.2); c.4388+4125_4388+4127del (NM_001354411.2); c.4409+1868_4409+1870del (NM_001142769.3); c.4476TTC[1], p.Ser1494del (NM_001142763.2); c.4461TTC[1], p.Ser1489del (NM_001142764.2); c.4248TTC[1], p.Ser1418del (NM_001142765.2); c.4446TTC[1], p.Ser1484del (NM_001142766.2); and 6 more; short protein forms S1418del, S1447del, S1464del, S1465del, S1467del, S1484del, S1487del, S1489del.
Identifiers: ClinVar variation 3372213 (VCV003372213.1).
Genomic context (GRCh38, chr10:53,823,265, plus strand): 5'-CAGTTTGTTGCTCTTAAGTGATCCGTCTACATGAGCTGACTTGTGAGCCTCAATAGTATT[GGAA>G]GAAAAGGGCATCACAACTTGTTGATGTTTCCTGTCTTCTGAGACTGAGTTATTTCCCCTG-3'